The following is an entry in ClinVar:

ClinVar aggregate classification (germline): Uncertain significance (1 of 4 stars; one submission).

Conditions:
Cardiovascular phenotype. Identifiers: MedGen CN230736.

Submission:

Ambry Genetics
Classification: Uncertain significance for Cardiovascular phenotype. Last evaluated: 2022-03-11. Review status: criteria provided, single submitter. Criteria: Ambry Variant Classification Scheme 2023. Collection method: clinical testing. Allele origin: germline.
Comment: The p.E128Q variant (also known as c.382G>C) is located in coding exon 9 of the TNNT2 gene. The glutamic acid at codon 128 is replaced by glutamine, an amino acid with highly similar properties. This change occurs in the first base pair of coding exon 9. This amino acid position is highly conserved in available vertebrate species. In addition, this alteration is predicted to be deleterious by in silico analysis. Since supporting evidence is limited at this time, the clinical significance of this alteration remains unclear.

NM_001276345.2(TNNT2):c.412G>C (p.Glu138Gln)

Gene: TNNT2 (troponin T2, cardiac type; minus strand). Cytogenetic location: 1q32.1.
Variant type: single nucleotide variant.
Coding change: c.412G>C on transcript NM_001276345.2 (MANE Select); coding-DNA position 412, G replaced by C.
Protein change: p.Glu138Gln; replaces glutamic acid 138 with glutamine.
Molecular consequence: missense variant.
Genome position (GRCh38, 1-based): chr1:201,364,375, C>G on the plus strand (G>C on the coding strand, the complement: TNNT2 is on the minus strand). VCF-style: chr1-201364375-C-G. GRCh37 (hg19) VCF-style: chr1-201333503-C-G.
Other names: c.412G>C, p.Glu138Gln (NM_000364.4, NM_001406723.1); c.382G>C, p.Glu128Gln (NM_001001430.3, NM_001001431.3, NM_001276347.2 and 3 more transcripts); c.367G>C, p.Glu123Gln (NM_001001432.3, NM_001406728.1); c.292G>C, p.Glu98Gln (NM_001276346.2); c.379G>C, p.Glu127Gln (NM_001406725.1); short protein forms E123Q, E138Q, E98Q, E127Q, E128Q.
Identifiers: ClinVar variation 1735342 (VCV001735342.2), dbSNP rs730881100, ClinGen allele CA344206001.